The following is an entry in ClinVar:

ClinVar aggregate classification (germline): Uncertain significance (1 of 4 stars; one submission).

Conditions:
Myasthenic syndrome, congenital, 22 (CMS22). Also called: PREPL DEFICIENCY. Identifiers: MedGen C4479088, MONDO:0044299, OMIM 616224.

Submission:

Labcorp Genetics (formerly Invitae), Labcorp
Classification: Uncertain significance for Myasthenic syndrome, congenital, 22. Last evaluated: 2021-06-20. Review status: criteria provided, single submitter. Criteria: Invitae Variant Classification Sherloc (09022015). Collection method: clinical testing. Allele origin: germline.
Comment: This variant has not been reported in the literature in individuals with PREPL-related conditions. This variant is not present in population databases (ExAC no frequency). This sequence change replaces leucine with phenylalanine at codon 9 of the PREPL protein (p.Leu9Phe). The leucine residue is moderately conserved and there is a small physicochemical difference between leucine and phenylalanine. Algorithms developed to predict the effect of missense changes on protein structure and function are either unavailable or do not agree on the potential impact of this missense change (SIFT: "Deleterious"; PolyPhen-2: "Benign"; Align-GVGD: "Class C0"). In summary, the available evidence is currently insufficient to determine the role of this variant in disease. Therefore, it has been classified as a Variant of Uncertain Significance.

NM_001171613.2(PREPL):c.-49+1689C>T

Gene: PREPL (prolyl endopeptidase like; minus strand). Cytogenetic location: 2p21.
Variant type: single nucleotide variant.
Coding change: c.-49+1689C>T on transcript NM_001171613.2 (MANE Select); 1689 bases into the intron after 49 bases upstream of the start codon, C replaced by T.
Molecular consequence: intron variant. On other transcripts: missense variant (7).
Genome position (GRCh38, 1-based): chr2:44,359,691, G>A on the plus strand (C>T on the coding strand, the complement: PREPL is on the minus strand). VCF-style: chr2-44359691-G-A. GRCh37 (hg19) VCF-style: chr2-44586830-G-A.
Other names: c.25C>T, p.Leu9Phe (NM_001042385.2, NM_001042386.2, NM_001171603.1 and 4 more transcripts); c.-49+1833C>T (NM_001171617.1); c.-49+1726C>T (NM_001374277.1); short protein forms L9F.
Identifiers: ClinVar variation 1471354 (VCV001471354.8), dbSNP rs2104272169, ClinGen allele CA346695153.